The following is an entry in ClinVar:

ClinVar aggregate classification (germline): Likely benign (0 of 4 stars; one submission).

Conditions:
ULK4-related disorder. Also called: ULK4-related condition.

Allele frequency attached by ClinVar (database versions not stated): ExAC 0.00022; 1000 Genomes Project 0.00040; 1000 Genomes Project 30x 0.00047; gnomAD 0.00082; TOPMed 0.00089; ESP Exome Variant Server 0.00133.
gnomAD v4.1: 269 of 1,614,058 alleles (0.017%); highest among the groups gnomAD compares: African/African-American, 0.24%; no homozygotes.

Submission:

PreventionGenetics, part of Exact Sciences
Classification: Likely benign for ULK4-related condition. Last evaluated: 2019-05-13. Review status: no assertion criteria provided. Collection method: clinical testing. Allele origin: germline.
Comment: This variant is classified as likely benign based on ACMG/AMP sequence variant interpretation guidelines (Richards et al. 2015 PMID: 25741868, with internal and published modifications).

NM_017886.4(ULK4):c.876C>T (p.Ser292=)

Gene: ULK4 (unc-51 like kinase 4; minus strand). Cytogenetic location: 3p22.1.
Variant type: single nucleotide variant.
Coding change: c.876C>T on transcript NM_017886.4 (MANE Select); coding-DNA position 876, C replaced by T.
Protein change: p.Ser292=; no amino-acid change (serine 292 retained).
Molecular consequence: synonymous variant. On other transcripts: 5 prime UTR variant (1), non-coding transcript variant (1).
Genome position (GRCh38, 1-based): chr3:41,912,827, G>A on the plus strand (C>T on the coding strand, the complement: ULK4 is on the minus strand). VCF-style: chr3-41912827-G-A. GRCh37 (hg19) VCF-style: chr3-41954319-G-A.
Other names: c.876C>T, p.Ser292= (NM_001322500.2); c.-31C>T (NM_001322501.2).
Identifiers: ClinVar variation 3041376 (VCV003041376.2), dbSNP rs371153917, ClinGen allele CA2332560.